The following is an entry in ClinVar:

ClinVar aggregate classification (germline): Uncertain significance (0 of 4 stars; one submission).

Conditions:
GNAS-related disorder. Identifiers: MedGen CN380105.

gnomAD v4.1: 15 of 1,613,488 alleles (0.00093%); highest among the groups gnomAD compares: South Asian, 0.0022%; no homozygotes.

Submission:

PreventionGenetics, part of Exact Sciences
Classification: Uncertain significance for GNAS-related condition. Last evaluated: 2024-06-12. Review status: no assertion criteria provided. Collection method: clinical testing. Allele origin: germline.
Comment: The GNAS c.1864C>G variant is predicted to result in the amino acid substitution p.Arg622Gly. To our knowledge, this variant has not been reported in the literature. This variant is reported in 0.0016% of alleles in individuals of European (Non-Finnish) descent in gnomAD. At this time, the clinical significance of this variant is uncertain due to the absence of conclusive functional and genetic evidence.

NM_080425.4(GNAS):c.1864C>G (p.Arg622Gly)

Gene: GNAS (GNAS complex locus; plus strand). Cytogenetic location: 20q13.32.
Variant type: single nucleotide variant.
Coding change: c.1864C>G on transcript NM_080425.4 (MANE Plus Clinical); coding-DNA position 1864, C replaced by G.
Protein change: p.Arg622Gly; replaces arginine 622 with glycine.
Molecular consequence: missense variant. On other transcripts: synonymous variant (2), intron variant (3).
Genome position (GRCh38, 1-based): chr20:58,855,129, C>G. VCF-style: chr20-58855129-C-G. GRCh37 (hg19) VCF-style: chr20-57430184-C-G.
Other names: c.1677C>G, p.Val559= (NM_001077490.3, NM_001309883.1); c.1864C>G, p.Arg622Gly (NM_001410913.1); c.*42+14243C>G (NM_016592.5); c.43+14243C>G (NM_001410912.1); c.-39+13254C>G (NM_001309861.2); short protein forms R622G.
Identifiers: ClinVar variation 3356217 (VCV003356217.1).